The following is an entry in ClinVar:

ClinVar aggregate classification (germline): Uncertain significance. Review status: criteria provided, multiple submitters, no conflicts (2 of 4 stars). 6 submissions from 6 submitters: Uncertain significance (4). 2 of the submissions do not count toward it. Last evaluated 2024-02-06.

Conditions:
Xanthinuria type II. Also called: Xanthine dehydrogenase and aldehyde oxidase combined deficiency of; XDH and AOX dual deficiency. Identifiers: Orphanet 3467, Orphanet 93602, MedGen C1863688, MONDO:0011346, OMIM 603592.
Hereditary xanthinuria type 1 (XAN1). Identifiers: Orphanet 3467, Orphanet 93601, MedGen C0268118, MONDO:0010209, OMIM 278300.

Allele frequency attached by ClinVar (database versions not stated): 1000 Genomes Project 0.00020; ExAC 0.00022; gnomAD exomes 0.00023 and 0.00025; gnomAD 0.00025 and 0.00026; 1000 Genomes Project 30x 0.00031; ESP Exome Variant Server 0.00038; TOPMed 0.00040.
gnomAD v4.1: 418 of 1,614,114 alleles (0.026%); highest among the groups gnomAD compares: Middle Eastern, 0.2%; no homozygotes.

Submissions (6):

Blueprint Genetics
Classification: Uncertain significance. Last evaluated: 2024-02-06. Review status: criteria provided, single submitter. Criteria: ACMG Guidelines, 2015. Collection method: clinical testing. Allele origin: germline.

Labcorp Genetics (formerly Invitae), Labcorp
Classification: Uncertain significance for Xanthinuria type II. Last evaluated: 2023-10-13. Review status: criteria provided, single submitter. Criteria: Invitae Variant Classification Sherloc (09022015). Collection method: clinical testing. Allele origin: germline.
Comment: This sequence change replaces threonine, which is neutral and polar, with methionine, which is neutral and non-polar, at codon 235 of the XDH protein (p.Thr235Met). This variant is present in population databases (rs45469499, gnomAD 0.04%). This variant has not been reported in the literature in individuals affected with XDH-related conditions. ClinVar contains an entry for this variant (Variation ID: 1025638). An algorithm developed to predict the effect of missense changes on protein structure and function (PolyPhen-2) suggests that this variant¬†is likely to be tolerated. In summary, the available evidence is currently insufficient to determine the role of this variant in disease. Therefore, it has been classified as a Variant of Uncertain Significance.

Fulgent Genetics
Classification: Uncertain significance for Hereditary xanthinuria type 1. Last evaluated: 2022-02-16. Review status: criteria provided, single submitter. Criteria: ACMG Guidelines, 2015. Collection method: clinical testing. Allele origin: unknown.

Breakthrough Genomics
Classification: Uncertain significance. Review status: criteria provided, single submitter. Criteria: ACMG Guidelines, 2015. Collection method: not provided. Allele origin: germline. Inheritance: Autosomal recessive inheritance. Affected: yes.

Clinical Genetics DNA and cytogenetics Diagnostics Lab, Erasmus MC, Erasmus Medical Center
Classification: Benign. Review status: no assertion criteria provided. Collection method: clinical testing. Allele origin: germline. Affected: yes. Study: VKGL Data-share Consensus. Not counted in ClinVar's aggregate classification.

Genome Diagnostics Laboratory, University Medical Center Utrecht
Classification: Likely benign. Review status: no assertion criteria provided. Collection method: clinical testing. Allele origin: germline. Affected: yes. Study: VKGL Data-share Consensus. Not counted in ClinVar's aggregate classification.

NM_000379.4(XDH):c.704C>T (p.Thr235Met)

Gene: XDH (xanthine dehydrogenase; minus strand). Cytogenetic location: 2p23.1.
Variant type: single nucleotide variant.
Coding change: c.704C>T on transcript NM_000379.4 (MANE Select); coding-DNA position 704, C replaced by T.
Protein change: p.Thr235Met; replaces threonine 235 with methionine.
Molecular consequence: missense variant.
Genome position (GRCh38, 1-based): chr2:31,386,503, G>A on the plus strand (C>T on the coding strand, the complement: XDH is on the minus strand). VCF-style: chr2-31386503-G-A. GRCh37 (hg19) VCF-style: chr2-31609369-G-A.
Other names: short protein forms T235M.
Identifiers: ClinVar variation 1025638 (VCV001025638.12), dbSNP rs45469499, ClinGen allele CA1599511.